The following is an entry in ClinVar:

ClinVar aggregate classification (germline): Pathogenic/Likely pathogenic. Review status: criteria provided, multiple submitters, no conflicts (2 of 4 stars). 6 submissions from 6 submitters: Pathogenic (5); Likely pathogenic (1). Last evaluated 2024-03-27.

Conditions:
Hereditary nonpolyposis colorectal neoplasms. Identifiers: MedGen C0009405, MeSH D003123.
Hereditary cancer-predisposing syndrome. Also called: Tumor predisposition; Hereditary neoplastic syndrome; Hereditary Cancer Syndrome; Neoplastic Syndromes, Hereditary. Identifiers: Orphanet 140162, MedGen C0027672, MeSH D009386, MONDO:0015356.
Lynch syndrome. Identifiers: Orphanet 144, MedGen C4552100, MONDO:0005835. Disease mechanism: loss of function.
Lynch syndrome 5 (LYNCH5). Also called: Hereditary non-polyposis colorectal cancer, type 5; Colorectal cancer, hereditary nonpolyposis, type 5. Identifiers: Orphanet 144, MedGen C1833477, MONDO:0013710, OMIM 614350. Disease mechanism: loss of function.

Allele frequency attached by ClinVar (database versions not stated): gnomAD exomes below 0.00001.

Submissions (6):

Labcorp Genetics (formerly Invitae), Labcorp
Classification: Pathogenic for Hereditary nonpolyposis colorectal neoplasms. Last evaluated: 2024-03-27. Review status: criteria provided, single submitter. Criteria: Invitae Variant Classification Sherloc (09022015). Collection method: clinical testing. Allele origin: germline.
Comment: This sequence change creates a premature translational stop signal (p.Tyr397Leufs*4) in the MSH6 gene. It is expected to result in an absent or disrupted protein product. Loss-of-function variants in MSH6 are known to be pathogenic (PMID: 18269114, 24362816). This variant is not present in population databases (gnomAD no frequency). This variant has not been reported in the literature in individuals affected with MSH6-related conditions. ClinVar contains an entry for this variant (Variation ID: 418928). For these reasons, this variant has been classified as Pathogenic.

Myriad Genetics, Inc.
Classification: Pathogenic for Lynch syndrome 5. Last evaluated: 2023-08-11. Review status: criteria provided, single submitter. Criteria: Myriad Autosomal Dominant, Autosomal Recessive and X-Linked Classification Criteria (2023). Collection method: clinical testing. Allele origin: unknown.
Comment: This variant is considered pathogenic. This variant creates a frameshift predicted to result in premature protein truncation.

CeGaT Center for Human Genetics Tuebingen
Classification: Pathogenic. Last evaluated: 2023-06-01. Review status: criteria provided, single submitter. Criteria: CeGaT Center For Human Genetics Tuebingen Variant Classification Criteria Version 2. Collection method: clinical testing. Allele origin: germline. Affected: yes. Observed: 2 variant alleles.
Comment: MSH6: PVS1, PM2

Ambry Genetics
Classification: Pathogenic for Hereditary cancer-predisposing syndrome. Last evaluated: 2021-01-25. Review status: criteria provided, single submitter. Criteria: Ambry Variant Classification Scheme 2023. Collection method: clinical testing. Allele origin: germline.
Comment: The c.1189dupT pathogenic mutation, located in coding exon 4 of the MSH6 gene, results from a duplication of T at nucleotide position 1189, causing a translational frameshift with a predicted alternate stop codon (p.Y397Lfs*4). This mutation was identified in a cohort of women undergoing multigene panel testing for hereditary cancer risk; this individual had a personal history of colorectal and endometrial cancer (Roberts ME et al. Genet Med, 2018 10;20:1167-1174). In addition to the clinical data presented in the literature, this alteration is expected to result in loss of function by premature protein truncation or nonsense-mediated mRNA decay. As such, this alteration is interpreted as a disease-causing mutation.

Laboratory for Molecular Medicine, Mass General Brigham Personalized Medicine
Classification: Likely pathogenic for Lynch syndrome. Last evaluated: 2019-05-08. Review status: criteria provided, single submitter. Criteria: ACMG Guidelines, 2015. Collection method: clinical testing. Allele origin: germline.
Comment: The p.Tyr397LeufsX4 variant in MSH6 has not been previously reported in individuals with Lynch syndrome and was absent from large population studies. It has been reported in ClinVar (variation ID 418928). This variant is predicted to cause a frameshift, which alters the protein’s amino acid sequence beginning at position 379 and leads to a premature termination codon 4 amino acids downstream. This alteration is then predicted to lead to a truncated or absent protein. Heterozygous loss of function of the MSH6 gene is an established disease mechanism in individuals with autosomal dominant Lynch syndrome. In summary, although additional studies are required to fully establish its clinical significance, thep.Tyr397LeufsX4 variant meets criteria to be classified as likely pathogenic for autosomal dominant Lynch syndrome. ACMG/AMP Criteria applied: PVS1; PM2.

GeneDx
Classification: Pathogenic. Last evaluated: 2015-04-22. Review status: criteria provided, single submitter. Criteria: GeneDx Variant Classification (06012015). Collection method: clinical testing. Allele origin: germline. Affected: yes.
Comment: This duplication of one nucleotide in MSH6 is denoted c.1189dupT at the cDNA level and p.Tyr397LeufsX4 (Y397LfsX4) at the protein level. The normal sequence, with the base that is duplicated in brackets, is ACTC[T]ATGT. The duplication causes a frameshift, which changes a Tyrosine to a Leucine at codon 397, and creates a premature stop codon at position 4 of the new reading frame. Although this variant has not, to our knowledge, been reported in the literature, it is predicted to cause loss of normal protein function through either protein truncation or nonsense-mediated mRNA decay. we consider this variant to be pathogenic.

Literature cited by the submitters: PubMed 18269114 (cited by Labcorp Genetics (formerly Invitae), Labcorp); PubMed 24362816 (cited by Labcorp Genetics (formerly Invitae), Labcorp); PubMed 29345684 (cited by Ambry Genetics).

NM_000179.3(MSH6):c.1189dup (p.Tyr397fs)

Gene: MSH6 (mutS homolog 6; plus strand). Cytogenetic location: 2p16.3.
Variant type: Duplication.
Coding change: c.1189dup on transcript NM_000179.3 (MANE Select); coding-DNA position 1189, one base duplicated (T; older notation c.1189dupT).
Protein change: p.Tyr397fs; shifts the reading frame from tyrosine 397.
Molecular consequence: frameshift variant.
Genome position (GRCh38, 1-based): chr2:47,799,172, T duplicated. VCF-style (leftmost placement, unchanged base first): chr2-47799171-C-CT. GRCh37 (hg19) VCF-style: chr2-48026310-C-CT.
Other names: c.799dup, p.Tyr267fs (NM_001281492.2); c.283dup, p.Tyr95fs (NM_001281493.2, NM_001281494.2); c.1189dupT (NM_000179.2); short protein forms Y267fs, Y397fs, Y95fs.
Identifiers: ClinVar variation 418928 (VCV000418928.39), dbSNP rs1553412609, ClinGen allele CA16617644.